The following is an entry in ClinVar:

ClinVar aggregate classification (germline): Likely pathogenic (1 of 4 stars; one submission).

Conditions:
Aortic aneurysm, familial thoracic 12. Identifiers: MedGen C5676959, MONDO:0030731, OMIM 619825.

gnomAD v4.1: 1 of 1,522,650 alleles (0.000066%); highest among the groups gnomAD compares: Non-Finnish European, 0.000088%; no homozygotes.

Submission:

Centre of Medical Genetics, University of Antwerp
Classification: Likely pathogenic for Aortic aneurysm, familial thoracic 12. Last evaluated: 2024-05-21. Review status: criteria provided, single submitter. Criteria: ACMG Guidelines, 2015. Collection method: clinical testing. Allele origin: unknown. Affected: yes.
Comment: PVS1, PM2

NM_024817.3(THSD4):c.358G>T (p.Glu120Ter)

Gene: THSD4 (thrombospondin type 1 domain containing 4; plus strand). Cytogenetic location: 15q23.
Variant type: single nucleotide variant.
Coding change: c.358G>T on transcript NM_024817.3 (MANE Select); coding-DNA position 358, G replaced by T.
Protein change: p.Glu120Ter; replaces glutamic acid 120 with a stop codon.
Molecular consequence: nonsense.
Genome position (GRCh38, 1-based): chr15:71,215,293, G>T. VCF-style: chr15-71215293-G-T. GRCh37 (hg19) VCF-style: chr15-71507632-G-T.
Other names: c.358G>T, p.Glu120Ter (NM_001394532.1); short protein forms E120*.
Identifiers: ClinVar variation 3236718 (VCV003236718.2).
Genomic context (GRCh38, chr15:71,215,293, plus strand): 5'-TTCGCGGACCACGTGGTGTCGGCGGTGCGCACGTCGGTGCCACTGCACCGGAGCCGCGAC[G>T]AGACGCCAGCGCTGGCCGGTACGGACGCCAGCCGCCAGGGCCCCACGGTGCTGCGAGGCA-3'